The following is an entry in ClinVar:

ClinVar aggregate classification (germline): Likely benign. Review status: criteria provided, multiple submitters, no conflicts (2 of 4 stars). 2 submissions from 2 submitters: Likely benign (2). Last evaluated 2025-03-04.

Allele frequency attached by ClinVar (database versions not stated): TOPMed 0.00003; gnomAD exomes 0.00004 and 0.00015; gnomAD 0.00015 and 0.00017; ExAC 0.00016; 1000 Genomes Project 0.00060; 1000 Genomes Project 30x 0.00062.
gnomAD v4.1: 98 of 1,609,808 alleles (0.0061%); highest among the groups gnomAD compares: East Asian, 0.091%; no homozygotes.

Submissions (2):

Center for Genomic Medicine, Rigshospitalet, Copenhagen University Hospital
Classification: Likely benign. Last evaluated: 2025-03-04. Review status: criteria provided, single submitter. Criteria: ACMG Guidelines, 2015. Collection method: clinical testing. Allele origin: germline.

Foulkes Cancer Genetics LDI, Lady Davis Institute for Medical Research
Classification: Likely benign. Last evaluated: 2019-07-01. Review status: criteria provided, single submitter. Criteria: ACMG Guidelines, 2015. Collection method: curation. Allele origin: germline. Affected: yes. Observed: 1 variant allele.
Comment: ACMG criteria met: BS1, BP4

Literature cited by the submitters: PubMed 28524158 (cited by Foulkes Cancer Genetics LDI, Lady Davis Institute for Medical Research).

NM_177438.3(DICER1):c.2040+29T>C

Gene: DICER1 (dicer 1, ribonuclease III; minus strand). Cytogenetic location: 14q32.13.
Variant type: single nucleotide variant.
Coding change: c.2040+29T>C on transcript NM_177438.3 (MANE Select); 29 bases into the intron after coding-DNA position 2040, T replaced by C.
Molecular consequence: intron variant.
Genome position (GRCh38, 1-based): chr14:95,113,063, A>G on the plus strand (T>C on the coding strand, the complement: DICER1 is on the minus strand). VCF-style: chr14-95113063-A-G. GRCh37 (hg19) VCF-style: chr14-95579400-A-G.
Other names: c.2040+29T>C (NM_001291628.2, NM_030621.4, NM_001271282.3 and 1 more transcripts).
Identifiers: ClinVar variation 932973 (VCV000932973.3), dbSNP rs370866625, ClinGen allele CA7331340.
Genomic context (GRCh38, chr14:95,113,063, plus strand): 5'-ACCTATAACTTGCAAGTCTTAGAAAAGCTGAAAAAATCCACTAATGACACATTTTAAAAG[A>G]TAACAATCATTTCTTCTTCTAAACTTACAACAATGGAGGCTCGAAGAGGTGAGTTAATTG-3'